The following is an entry in ClinVar:

ClinVar aggregate classification (germline): Uncertain significance. Review status: criteria provided, multiple submitters, no conflicts (2 of 4 stars). 2 submissions from 2 submitters: Uncertain significance (2). Last evaluated 2024-03-29.

Conditions:
Hereditary cancer-predisposing syndrome. Also called: Tumor predisposition; Neoplastic Syndromes, Hereditary; Hereditary Cancer Syndrome; Hereditary neoplastic syndrome. Identifiers: Orphanet 140162, MedGen C0027672, MeSH D009386, MONDO:0015356.
Cardiovascular phenotype. Identifiers: MedGen CN230736.
Neurofibromatosis, type 1 (NF1). Also called: VON RECKLINGHAUSEN DISEASE; NEUROFIBROMATOSIS, TYPE I, SOMATIC; Peripheral type neurofibromatosis; Neurofibromatosis, type I. Identifiers: Orphanet 636, MedGen C0027831, MONDO:0018975, OMIM 162200. Disease mechanism: loss of function.

Submissions (2):

Labcorp Genetics (formerly Invitae), Labcorp
Classification: Uncertain significance for Neurofibromatosis, type 1. Last evaluated: 2024-03-29. Review status: criteria provided, single submitter. Criteria: Invitae Variant Classification Sherloc (09022015). Collection method: clinical testing. Allele origin: germline.
Comment: This sequence change replaces isoleucine, which is neutral and non-polar, with valine, which is neutral and non-polar, at codon 719 of the NF1 protein (p.Ile719Val). This variant is not present in population databases (gnomAD no frequency). This variant has not been reported in the literature in individuals affected with NF1-related conditions. ClinVar contains an entry for this variant (Variation ID: 1786803). Advanced modeling of protein sequence and biophysical properties (such as structural, functional, and spatial information, amino acid conservation, physicochemical variation, residue mobility, and thermodynamic stability) has been performed at Invitae for this missense variant, however the output from this modeling did not meet the statistical confidence thresholds required to predict the impact of this variant on NF1 protein function. In summary, the available evidence is currently insufficient to determine the role of this variant in disease. Therefore, it has been classified as a Variant of Uncertain Significance.

Ambry Genetics
Classification: Uncertain significance for Cardiovascular phenotype; Hereditary cancer-predisposing syndrome. Last evaluated: 2022-01-18. Review status: criteria provided, single submitter. Criteria: Ambry Variant Classification Scheme 2023. Collection method: clinical testing. Allele origin: germline.
Comment: The p.I719V variant (also known as c.2155A>G), located in coding exon 18 of the NF1 gene, results from an A to G substitution at nucleotide position 2155. The isoleucine at codon 719 is replaced by valine, an amino acid with highly similar properties. This amino acid position is conserved. In addition, this alteration is predicted to be tolerated by in silico analysis. Since supporting evidence is limited at this time, the clinical significance of this alteration remains unclear.

NM_001042492.3(NF1):c.2155A>G (p.Ile719Val)

Gene: NF1 (neurofibromin 1; plus strand). Cytogenetic location: 17q11.2.
Variant type: single nucleotide variant.
Coding change: c.2155A>G on transcript NM_001042492.3 (MANE Select); coding-DNA position 2155, A replaced by G.
Protein change: p.Ile719Val; replaces isoleucine 719 with valine.
Molecular consequence: missense variant.
Genome position (GRCh38, 1-based): chr17:31,226,588, A>G. VCF-style: chr17-31226588-A-G. GRCh37 (hg19) VCF-style: chr17-29553606-A-G.
Other names: c.2155A>G, p.Ile719Val (NM_000267.4); short protein forms I719V.
Identifiers: ClinVar variation 1786803 (VCV001786803.4), dbSNP rs2508157107, ClinGen allele CA398982381.